The following is an entry in ClinVar:

NM_002273.4(KRT8):c.1438G>A (p.Val480Ile)

Gene: KRT8 (keratin 8; minus strand). Cytogenetic location: 12q13.13.
Variant type: single nucleotide variant.
Coding change: c.1438G>A on transcript NM_002273.4 (MANE Select); coding-DNA position 1438, G replaced by A.
Protein change: p.Val480Ile; replaces valine 480 with isoleucine.
Molecular consequence: missense variant. On other transcripts: non-coding transcript variant (1).
Genome position (GRCh38, 1-based): chr12:52,897,442, C>T on the plus strand (G>A on the coding strand, the complement: KRT8 is on the minus strand). VCF-style: chr12-52897442-C-T. GRCh37 (hg19) VCF-style: chr12-53291226-C-T.
Other names: c.1522G>A, p.Val508Ile (NM_001256282.2); c.1438G>A, p.Val480Ile (NM_001256293.2); short protein forms V480I, V508I.
Identifiers: ClinVar variation 713128 (VCV000713128.6), dbSNP rs61730606, ClinGen allele CA6590215.
Genomic context (GRCh38, chr12:52,897,442, plus strand): 5'-TGGGGCAGCGCAGGAGGGGTAGGCTGGGAGGGGCTGCCGCAGCTGTTCACTTGGGCAGGA[C>T]GTCAGAGGACTCAGACACCAGCTTCCCATCACGTGTCTCGATCTTCTTCACAACCACGGC-3'
Protein context (NP_002264.1, residues 470-483): DGKLVSESSD[Val480Ile]LPK

ClinVar aggregate classification (germline): Benign. Review status: criteria provided, single submitter (1 of 4 stars). 2 submissions from 2 submitters: Benign (1). 1 of the submissions does not count toward it. Last evaluated 2019-12-31.

Conditions:
KRT8-related disorder. Also called: KRT8-related condition.

Allele frequency attached by ClinVar (database versions not stated): gnomAD exomes 0.00182; ExAC 0.00228; gnomAD 0.00456; ESP Exome Variant Server 0.00511; 1000 Genomes Project 0.00579; TOPMed 0.00584; 1000 Genomes Project 30x 0.00671.
gnomAD v4.1: 2,788 of 1,599,352 alleles (0.17%); highest among the groups gnomAD compares: African/African-American, 1.7%; 15 homozygotes.

Submissions (2):

Labcorp Genetics (formerly Invitae), Labcorp
Classification: Benign. Last evaluated: 2019-12-31. Review status: criteria provided, single submitter. Criteria: Invitae Variant Classification Sherloc (09022015). Collection method: clinical testing. Allele origin: germline.

PreventionGenetics, part of Exact Sciences
Classification: Benign for KRT8-related condition. Last evaluated: 2019-10-31. Review status: no assertion criteria provided. Collection method: clinical testing. Allele origin: germline. Not counted in ClinVar's aggregate classification.
Comment: This variant is classified as benign based on ACMG/AMP sequence variant interpretation guidelines (Richards et al. 2015 PMID: 25741868, with internal and published modifications).